The following is an entry in ClinVar:

ClinVar aggregate classification (germline): Likely benign (0 of 4 stars; one submission).

Conditions:
TENM4-related disorder. Also called: TENM4-related condition.

Allele frequency attached by ClinVar (database versions not stated): gnomAD 0.00007; TOPMed 0.00007; gnomAD exomes 0.00011; ExAC 0.00016.
gnomAD v4.1: 163 of 1,613,924 alleles (0.01%); highest among the groups gnomAD compares: Non-Finnish European, 0.013%; no homozygotes.

Submission:

PreventionGenetics, part of Exact Sciences
Classification: Likely benign for TENM4-related condition. Last evaluated: 2019-08-09. Review status: no assertion criteria provided. Collection method: clinical testing. Allele origin: germline.
Comment: This variant is classified as likely benign based on ACMG/AMP sequence variant interpretation guidelines (Richards et al. 2015 PMID: 25741868, with internal and published modifications).

NM_001098816.3(TENM4):c.4332G>A (p.Arg1444=)

Gene: TENM4 (teneurin transmembrane protein 4; minus strand). Cytogenetic location: 11q14.1.
Variant type: single nucleotide variant.
Coding change: c.4332G>A on transcript NM_001098816.3 (MANE Select); coding-DNA position 4332, G replaced by A.
Protein change: p.Arg1444=; no amino-acid change (arginine 1444 retained).
Molecular consequence: synonymous variant.
Genome position (GRCh38, 1-based): chr11:78,702,281, C>T on the plus strand (G>A on the coding strand, the complement: TENM4 is on the minus strand). VCF-style: chr11-78702281-C-T. GRCh37 (hg19) VCF-style: chr11-78413326-C-T.
Identifiers: ClinVar variation 3035630 (VCV003035630.2), dbSNP rs569183605, ClinGen allele CA6206819.
Genomic context (GRCh38, chr11:78,702,281, plus strand): 5'-GTGGATGGCCACCTTGCTTAGCAGGAAGTGGTCAATGCCAGGGACCTGGCAGTGCATGGG[C>T]CTCCCGGCGACAATGCGCACCTGGTGGTTTTCAGAGATTTGCAGGACCACATTGTTGTCG-3'
Protein context (NP_001092286.2, residues 1434-1454): ENHQVRIVAG[Arg1444=]PMHCQVPGID